The following is an entry in ClinVar:

ClinVar aggregate classification (germline): Uncertain significance (1 of 4 stars; one submission).

gnomAD v4.1: 1 of 1,585,704 alleles (0.000063%); highest among the groups gnomAD compares: Middle Eastern, 0.02%; no homozygotes.

Submission:

Ambry Genetics
Classification: Uncertain significance. Last evaluated: 2026-04-18. Review status: criteria provided, single submitter. Criteria: Ambry Variant Classification Scheme 2023. Collection method: clinical testing. Allele origin: germline.
Comment: The p.P195T variant (also known as c.583C>A), located in coding exon 3 of the GFI1 gene, results from a C to A substitution at nucleotide position 583. The proline at codon 195 is replaced by threonine, an amino acid with highly similar properties. This amino acid position is conserved. In addition, this alteration is predicted to be tolerated by in silico analysis. Based on the available evidence, the clinical significance of this variant remains unclear.

NM_005263.5(GFI1):c.583C>A (p.Pro195Thr)

Gene: GFI1 (growth factor independent 1 transcriptional repressor; minus strand). Cytogenetic location: 1p22.1.
Variant type: single nucleotide variant.
Coding change: c.583C>A on transcript NM_005263.5 (MANE Select); coding-DNA position 583, C replaced by A.
Protein change: p.Pro195Thr; replaces proline 195 with threonine.
Molecular consequence: missense variant.
Genome position (GRCh38, 1-based): chr1:92,480,804, G>T on the plus strand (C>A on the coding strand, the complement: GFI1 is on the minus strand). VCF-style: chr1-92480804-G-T. GRCh37 (hg19) VCF-style: chr1-92946361-G-T.
Other names: c.583C>A, p.Pro195Thr (NM_001127215.3, NM_001127216.3); short protein forms P195T.
Identifiers: ClinVar variation 4858038 (VCV004858038.1).
Genomic context (GRCh38, chr1:92,480,804, plus strand): 5'-TGGGCCTCTCATACAGCCCGGCTGCCGCAGACCCGAAGTCGCCGTAGAGCCCTAGGCCAG[G>T]GCCAGCGGTGGCACCGGCCCCTGCGCTGCAGCTCCCTGGCGCCCCGGCCCCCGCGCCGCC-3'
Protein context (NP_005254.2, residues 185-205): CSAGAGATAG[Pro195Thr]GLGLYGDFGS